The following is an entry in ClinVar:

ClinVar aggregate classification (germline): Uncertain significance (1 of 4 stars; one submission).

Conditions:
Noonan syndrome 9 (NS9). Identifiers: Orphanet 648, MedGen C4225282, MONDO:0014691, OMIM 616559.

Allele frequency attached by ClinVar (database versions not stated): gnomAD exomes below 0.00001.
gnomAD v4.1: 3 of 1,595,830 alleles (0.00019%); highest among the groups gnomAD compares: Non-Finnish European, 0.00026%; no homozygotes.

Submission:

Labcorp Genetics (formerly Invitae), Labcorp
Classification: Uncertain significance for Noonan syndrome 9. Last evaluated: 2020-01-29. Review status: criteria provided, single submitter. Criteria: Invitae Variant Classification Sherloc (09022015). Collection method: clinical testing. Allele origin: germline.
Comment: This variant has not been reported in the literature in individuals with SOS2-related conditions. Algorithms developed to predict the effect of missense changes on protein structure and function are either unavailable or do not agree on the potential impact of this missense change (SIFT: "Tolerated"; PolyPhen-2: "Possibly Damaging"; Align-GVGD: "Class C0"). This variant is not present in population databases (ExAC no frequency). This sequence change replaces isoleucine with methionine at codon 130 of the SOS2 protein (p.Ile130Met). The isoleucine residue is highly conserved and there is a small physicochemical difference between isoleucine and methionine. In summary, the available evidence is currently insufficient to determine the role of this variant in disease. Therefore, it has been classified as a Variant of Uncertain Significance.

NM_006939.4(SOS2):c.390T>G (p.Ile130Met)

Gene: SOS2 (SOS Ras/Rho guanine nucleotide exchange factor 2; minus strand). Cytogenetic location: 14q21.3.
Variant type: single nucleotide variant.
Coding change: c.390T>G on transcript NM_006939.4 (MANE Select); coding-DNA position 390, T replaced by G.
Protein change: p.Ile130Met; replaces isoleucine 130 with methionine.
Molecular consequence: missense variant.
Genome position (GRCh38, 1-based): chr14:50,199,811, A>C on the plus strand (T>G on the coding strand, the complement: SOS2 is on the minus strand). VCF-style: chr14-50199811-A-C. GRCh37 (hg19) VCF-style: chr14-50666529-A-C.
Other names: short protein forms I130M.
Identifiers: ClinVar variation 1002804 (VCV001002804.9), dbSNP rs1886426829, ClinGen allele CA389649704.